The following is an entry in ClinVar:

NM_024426.6(WT1):c.405_416dup (p.Pro138_Pro141dup)

Genes: WT1 (WT1 transcription factor; minus strand), LOC107982234 (WT1/WT1-AS bi-directional promoter region; plus strand). Cytogenetic location: 11p13.
Variant type: Duplication.
Coding change: c.405_416dup on transcript NM_024426.6 (MANE Select); coding-DNA positions 405 to 416, 12 bases duplicated (ACCCCCGCCGCC).
Protein change: p.Pro138_Pro141dup.
Molecular consequence: inframe insertion. On other transcripts: non-coding transcript variant (1).
Genome position (GRCh38, 1-based): chr11:32,434,945-32,434,956, GGCGGCGGGGGT duplicated on the plus strand (ACCCCCGCCGCC on the coding strand, the reverse complement: WT1 is on the minus strand); duplicating any 12 consecutive bases within chr11:32,434,945-32,434,964 gives the same sequence; the c. name uses the placement nearest the transcript's 3' end. VCF-style (leftmost placement, unchanged base first): chr11-32434944-C-CGGCGGCGGGGGT. GRCh37 (hg19) VCF-style: chr11-32456490-C-CGGCGGCGGGGGT.
Other names: c.405_416dup, p.Pro138_Pro141dup (NM_000378.6, NM_024424.5); c.390_401dupACCCCCGCCGCC (NM_024426.4).
Identifiers: ClinVar variation 853740 (VCV000853740.11), dbSNP rs1469499452, ClinGen allele CA675622615.
Genomic context (GRCh38, chr11:32,434,944, plus strand): 5'-CTCCTCGTGCGGCTCCGCGCCGCCCCAGCTCGGCTCCTGTTTGATGAAGGAGTGAGGCGG[C>CGGCGGCGGGGGT]GGCGGCGGGGGTGGCGGCGGAGCCGGTGGCGGCGCGGGGCCGCCCAACGACCCGTAAGCC-3'

ClinVar aggregate classification (germline): Conflicting classifications of pathogenicity. Review status: criteria provided, conflicting classifications (1 of 4 stars). 3 submissions from 3 submitters: Uncertain significance (2); Likely benign (1). Last evaluated 2026-01-19.

Conditions:
Inborn genetic diseases. Identifiers: MedGen C0950123, MeSH D030342.
Wilms tumor 1 (WT1). Also called: Wilms tumor, somatic. Identifiers: Orphanet 654, MedGen CN033288, MONDO:0008679, OMIM 194070.
11p partial monosomy syndrome (WAGR). Also called: CHROMOSOME 11p13 DELETION SYNDROME; WAGR Complex; WAGR Spectrum Disorder; WAGR syndrome. Identifiers: Orphanet 893, MedGen C0206115, MONDO:0008681, OMIM 194072.
Frasier syndrome. Identifiers: Orphanet 347, MedGen C0950122, MeSH D052159, MONDO:0007635, OMIM 136680.
Drash syndrome (DDS). Also called: NEPHROPATHY, WILMS TUMOR, AND GENITAL ANOMALIES; WILMS TUMOR AND PSEUDO- OR TRUE HERMAPHRODITISM. Identifiers: Orphanet 220, MedGen C0950121, MONDO:0008682, OMIM 194080.

Submissions (3):

Labcorp Genetics (formerly Invitae), Labcorp
Classification: Likely benign for Wilms tumor 1; Drash syndrome; 11p partial monosomy syndrome; Frasier syndrome. Last evaluated: 2026-01-19. Review status: criteria provided, single submitter. Criteria: Invitae Variant Classification Sherloc (09022015). Collection method: clinical testing. Allele origin: germline.

Ambry Genetics
Classification: Uncertain significance for Inborn genetic diseases. Last evaluated: 2025-07-15. Review status: criteria provided, single submitter. Criteria: Ambry Variant Classification Scheme 2023. Collection method: clinical testing. Allele origin: germline.
Comment: The c.390_401dup12 variant (also known as p.P133_P136dup), located in coding exon 1 of the WT1 gene, results from an in-frame duplication of 12 nucleotides at nucleotide positions 390 to 401. This results in the duplication of 4 extra residues (PPPP) between codons 133 and 136. In addition, this variant is predicted to be neutral by in silico analysis (Choi Y et al. PLoS ONE. 2012; 7(10):e46688). Based on the available evidence, the clinical significance of this variant remains unclear.

GeneDx
Classification: Uncertain significance. Last evaluated: 2022-10-04. Review status: criteria provided, single submitter. Criteria: GeneDx Variant Classification Process June 2021. Collection method: clinical testing. Allele origin: germline. Affected: yes.
Comment: In-frame duplication of 4 amino acids in a repeat region that is within the critical transcriptional repression domain (Wang et al., 1993); Not observed at significant frequency in large population cohorts (gnomAD); Has not been previously published as pathogenic or benign to our knowledge; This variant is associated with the following publications: (PMID: 8486616)